The following is an entry in ClinVar:

NM_002840.5(PTPRF):c.1377G>A (p.Pro459=)

Gene: PTPRF (protein tyrosine phosphatase receptor type F; plus strand). Cytogenetic location: 1p34.2.
Variant type: single nucleotide variant.
Coding change: c.1377G>A on transcript NM_002840.5 (MANE Select); coding-DNA position 1377, G replaced by A.
Protein change: p.Pro459=; no amino-acid change (proline 459 retained).
Molecular consequence: synonymous variant.
Genome position (GRCh38, 1-based): chr1:43,591,399, G>A. VCF-style: chr1-43591399-G-A. GRCh37 (hg19) VCF-style: chr1-44057070-G-A.
Other names: c.1395G>A, p.Pro465= (NM_001329137.2); c.1407G>A, p.Pro469= (NM_001329138.2); c.1377G>A, p.Pro459= (NM_001329139.2, NM_001329140.2, NM_130440.4).
Identifiers: ClinVar variation 3044522 (VCV003044522.2), dbSNP rs377187180, ClinGen allele CA812101.

ClinVar aggregate classification (germline): Likely benign (0 of 4 stars; one submission).

Conditions:
PTPRF-related disorder. Also called: PTPRF-related condition.

Allele frequency attached by ClinVar (database versions not stated): ESP Exome Variant Server 0.00047; 1000 Genomes Project 30x 0.00062; ExAC 0.00067; 1000 Genomes Project 0.00080.
gnomAD v4.1: 222 of 1,566,418 alleles (0.014%); highest among the groups gnomAD compares: African/African-American, 0.23%; no homozygotes.

Submission:

PreventionGenetics, part of Exact Sciences
Classification: Likely benign for PTPRF-related condition. Last evaluated: 2019-06-04. Review status: no assertion criteria provided. Collection method: clinical testing. Allele origin: germline.
Comment: This variant is classified as likely benign based on ACMG/AMP sequence variant interpretation guidelines (Richards et al. 2015 PMID: 25741868, with internal and published modifications).